The following is an entry in ClinVar:

ClinVar aggregate classification (germline): Uncertain significance (1 of 4 stars; one submission).

Conditions:
Charcot-Marie-Tooth disease, type I (CMT1). Also called: Charcot-Marie-Tooth disease type 1; Charcot-Marie-Tooth, Type 1. Identifiers: Orphanet 65753, MedGen C0751036, MONDO:0019011.

Submission:

Labcorp Genetics (formerly Invitae), Labcorp
Classification: Uncertain significance for Charcot-Marie-Tooth disease, type I. Last evaluated: 2024-09-11. Review status: criteria provided, single submitter. Criteria: Invitae Variant Classification Sherloc (09022015). Collection method: clinical testing. Allele origin: germline.
Comment: This sequence change replaces alanine, which is neutral and non-polar, with valine, which is neutral and non-polar, at codon 139 of the EGR2 protein (p.Ala139Val). This variant is present in population databases (rs759939640, gnomAD 0.0009%). This variant has not been reported in the literature in individuals affected with EGR2-related conditions. Invitae Evidence Modeling of protein sequence and biophysical properties (such as structural, functional, and spatial information, amino acid conservation, physicochemical variation, residue mobility, and thermodynamic stability) indicates that this missense variant is not expected to disrupt EGR2 protein function with a negative predictive value of 80%. In summary, the available evidence is currently insufficient to determine the role of this variant in disease. Therefore, it has been classified as a Variant of Uncertain Significance.

NM_000399.5(EGR2):c.416C>T (p.Ala139Val)

Gene: EGR2 (early growth response 2; minus strand). Cytogenetic location: 10q21.3.
Variant type: single nucleotide variant.
Coding change: c.416C>T on transcript NM_000399.5 (MANE Select); coding-DNA position 416, C replaced by T.
Protein change: p.Ala139Val; replaces alanine 139 with valine.
Molecular consequence: missense variant.
Genome position (GRCh38, 1-based): chr10:62,814,222, G>A on the plus strand (C>T on the coding strand, the complement: EGR2 is on the minus strand). VCF-style: chr10-62814222-G-A. GRCh37 (hg19) VCF-style: chr10-64573982-G-A.
Other names: c.416C>T, p.Ala139Val (NM_001136177.3, NM_001136178.2); c.266C>T, p.Ala89Val (NM_001136179.3, NM_001321037.2); c.455C>T, p.Ala152Val (NM_001410931.1); short protein forms A139V, A152V, A89V.
Identifiers: ClinVar variation 3631516 (VCV003631516.2).